The following is an entry in ClinVar:

ClinVar aggregate classification (germline): Benign. Review status: criteria provided, multiple submitters, no conflicts (2 of 4 stars). 5 submissions from 3 submitters: Benign (5). Last evaluated 2018-06-16.

Conditions:
Atrial fibrillation, familial, 9 (ATFB9). Identifiers: MedGen C3151431, MONDO:0013513, OMIM 613980.
Andersen Tawil syndrome (LQT7). Also called: Potassium-sensitive periodic paralysis, ventricular ectopy, and dysmorphic features; ANDERSEN CARDIODYSRHYTHMIC PERIODIC PARALYSIS; LONG QT SYNDROME 7; PERIODIC PARALYSIS, POTASSIUM-SENSITIVE CARDIODYSRHYTHMIC TYPE; Andersen Syndrome. Identifiers: Orphanet 37553, MedGen C1563715, MONDO:0008222, OMIM 170390.
Short QT syndrome type 3. Identifiers: Orphanet 51083, MedGen C1865018, MONDO:0012314, OMIM 609622.

Allele frequency attached by ClinVar (database versions not stated): gnomAD exomes 0.00758; gnomAD 0.06355 and 0.06798; TOPMed 0.07282; 1000 Genomes Project 0.07308; 1000 Genomes Project 30x 0.07854.
gnomAD v4.1: 14,657 of 775,404 alleles (1.9%); highest among the groups gnomAD compares: African/African-American, 22%; 1,436 homozygotes.

Submissions (5):

GeneDx
Classification: Benign. Last evaluated: 2018-06-16. Review status: criteria provided, single submitter. Criteria: GeneDx Variant Classification Process June 2021. Collection method: clinical testing. Allele origin: germline. Affected: yes.

Illumina Laboratory Services, Illumina
Classification: Benign for Atrial fibrillation, familial, 9. Last evaluated: 2018-01-13. Review status: criteria provided, single submitter. Criteria: ICSL Variant Classification Criteria 13 December 2019. Collection method: clinical testing. Allele origin: germline.
Comment: This variant was observed in the ICSL laboratory as part of a predisposition screen in an ostensibly healthy population. It had not been previously curated by ICSL or reported in the Human Gene Mutation Database (HGMD: prior to June 1st, 2018), and was therefore a candidate for classification through an automated scoring system. Utilizing variant allele frequency, disease prevalence and penetrance estimates, and inheritance mode, an automated score was calculated to assess if this variant is too frequent to cause the disease. Based on the score and internal cut-off values, a variant classified as benign is not then subjected to further curation. The score for this variant resulted in a classification of benign for this disease.

Illumina Laboratory Services, Illumina
Classification: Benign for Short QT syndrome type 3. Last evaluated: 2018-01-13. Review status: criteria provided, single submitter. Criteria: ICSL Variant Classification Criteria 13 December 2019. Collection method: clinical testing. Allele origin: germline.
Comment: the same text as in the submission from Illumina Laboratory Services, Illumina above.

Illumina Laboratory Services, Illumina
Classification: Benign for Andersen Tawil syndrome. Last evaluated: 2018-01-13. Review status: criteria provided, single submitter. Criteria: ICSL Variant Classification Criteria 13 December 2019. Collection method: clinical testing. Allele origin: germline.
Comment: the same text as in the submission from Illumina Laboratory Services, Illumina above.

Breakthrough Genomics
Classification: Benign. Review status: criteria provided, single submitter. Criteria: ACMG Guidelines, 2015. Collection method: not provided. Allele origin: germline. Inheritance: Autosomal dominant inheritance. Affected: yes.

NM_000891.3(KCNJ2):c.*136G>A

Gene: KCNJ2 (potassium inwardly rectifying channel subfamily J member 2; plus strand). Cytogenetic location: 17q24.3.
Variant type: single nucleotide variant.
Coding change: c.*136G>A on transcript NM_000891.3 (MANE Select); 136 bases downstream of the stop codon, G replaced by A.
Molecular consequence: 3 prime UTR variant.
Genome position (GRCh38, 1-based): chr17:70,176,459, G>A. VCF-style: chr17-70176459-G-A. GRCh37 (hg19) VCF-style: chr17-68172600-G-A.
Identifiers: ClinVar variation 324836 (VCV000324836.8), dbSNP rs73998781, ClinGen allele CA10649961.